The following is an entry in ClinVar:

NM_001367479.1(DNAH14):c.10588C>T (p.Arg3530Cys)

Gene: DNAH14 (dynein axonemal heavy chain 14; plus strand). Cytogenetic location: 1q42.12.
Variant type: single nucleotide variant.
Coding change: c.10588C>T on transcript NM_001367479.1 (MANE Select); coding-DNA position 10588, C replaced by T.
Protein change: p.Arg3530Cys; replaces arginine 3530 with cysteine.
Molecular consequence: missense variant.
Genome position (GRCh38, 1-based): chr1:225,340,611, C>T. VCF-style: chr1-225340611-C-T. GRCh37 (hg19) VCF-style: chr1-225528313-C-T.
Other names: NM_001373.1:c.10309C>T; short protein forms R3530C.
Identifiers: ClinVar variation 2573933 (VCV002573933.1), dbSNP rs1421652273, ClinGen allele CA344990564.

ClinVar aggregate classification (germline): Uncertain significance (1 of 4 stars; one submission).

Allele frequency attached by ClinVar (database versions not stated): gnomAD 0.00001; gnomAD exomes 0.00001; TOPMed 0.00001.
gnomAD v4.1: 17 of 1,551,302 alleles (0.0011%); highest among the groups gnomAD compares: East Asian, 0.0073%; no homozygotes.

Submission:

GeneDx
Classification: Uncertain significance. Last evaluated: 2023-01-17. Review status: criteria provided, single submitter. Criteria: GeneDx Variant Classification Process June 2021. Collection method: clinical testing. Allele origin: germline. Affected: yes.
Comment: In silico analysis supports that this missense variant has a deleterious effect on protein structure/function; Has not been previously published as pathogenic or benign to our knowledge